The following is an entry in ClinVar:

ClinVar aggregate classification (germline): Uncertain significance (1 of 4 stars; one submission).

Conditions:
Hypertrophic cardiomyopathy. Also called: HYPERTROPHIC MYOCARDIOPATHY. Identifiers: Orphanet 217569, MedGen C0007194, MeSH D002312, MONDO:0005045, HP:0001639.

Allele frequency attached by ClinVar (database versions not stated): gnomAD 0.00001.
gnomAD v4.1: 7 of 1,613,666 alleles (0.00043%); highest among the groups gnomAD compares: Admixed American, 0.012%; no homozygotes.

Submission:

Labcorp Genetics (formerly Invitae), Labcorp
Classification: Uncertain significance for Hypertrophic cardiomyopathy. Last evaluated: 2024-12-23. Review status: criteria provided, single submitter. Criteria: Invitae Variant Classification Sherloc (09022015). Collection method: clinical testing. Allele origin: germline.
Comment: This sequence change falls in intron 3 of the MYH7 gene. It does not directly change the encoded amino acid sequence of the MYH7 protein. It affects a nucleotide within the consensus splice site. This variant is present in population databases (no rsID available, gnomAD 0.003%). This variant has not been reported in the literature in individuals affected with MYH7-related conditions. ClinVar contains an entry for this variant (Variation ID: 945695). Variants that disrupt the consensus splice site are a relatively common cause of aberrant splicing (PMID: 17576681, 9536098). Algorithms developed to predict the effect of sequence changes on RNA splicing suggest that this variant is not likely to affect RNA splicing. In summary, the available evidence is currently insufficient to determine the role of this variant in disease. Therefore, it has been classified as a Variant of Uncertain Significance.

Literature cited by the submitters: PubMed 17576681; PubMed 9536098.

NM_000257.4(MYH7):c.201+4G>C

Gene: MYH7 (myosin heavy chain 7; minus strand). Cytogenetic location: 14q11.2.
Variant type: single nucleotide variant.
Coding change: c.201+4G>C on transcript NM_000257.4 (MANE Select); 4 bases into the intron after coding-DNA position 201, G replaced by C.
Molecular consequence: intron variant.
Genome position (GRCh38, 1-based): chr14:23,433,528, C>G on the plus strand (G>C on the coding strand, the complement: MYH7 is on the minus strand). VCF-style: chr14-23433528-C-G. GRCh37 (hg19) VCF-style: chr14-23902737-C-G.
Identifiers: ClinVar variation 945695 (VCV000945695.8), dbSNP rs748711806, ClinGen allele CA613318129.